The following is an entry in ClinVar:

NM_031433.4(MFRP):c.880T>C (p.Cys294Arg)

Genes: C1QTNF5 (C1q and TNF related 5; minus strand), MFRP (membrane frizzled-related protein; minus strand). Cytogenetic location: 11q23.3.
Variant type: single nucleotide variant.
Coding change: c.880T>C on transcript NM_031433.4 (MANE Select); coding-DNA position 880, T replaced by C.
Protein change: p.Cys294Arg; replaces cysteine 294 with arginine.
Molecular consequence: missense variant. On other transcripts: 5 prime UTR variant (1).
Genome position (GRCh38, 1-based): chr11:119,344,650, A>G on the plus strand (T>C on the coding strand, the complement: MFRP is on the minus strand). VCF-style: chr11-119344650-A-G. GRCh37 (hg19) VCF-style: chr11-119215360-A-G.
Other names: c.-1757T>C (NM_015645.5); short protein forms C294R.
Identifiers: ClinVar variation 848059 (VCV000848059.10), dbSNP rs1950540925, ClinGen allele CA382976448.

ClinVar aggregate classification (germline): Uncertain significance (1 of 4 stars; one submission).

Conditions:
Isolated microphthalmia 5. Also called: Posterior Microphthalmia with Retinitis Pigmentosa, Foveoschisis, and Optic Disc Drusen. Identifiers: Orphanet 251279, MedGen C1970236, MONDO:0012605, OMIM 611040.

Allele frequency attached by ClinVar (database versions not stated): gnomAD exomes 0.00001.
gnomAD v4.1: 5 of 1,614,060 alleles (0.00031%); highest among the groups gnomAD compares: Non-Finnish European, 0.00042%; no homozygotes.

Submission:

Labcorp Genetics (formerly Invitae), Labcorp
Classification: Uncertain significance for Isolated microphthalmia 5. Last evaluated: 2021-06-10. Review status: criteria provided, single submitter. Criteria: Invitae Variant Classification Sherloc (09022015). Collection method: clinical testing. Allele origin: germline.
Comment: In summary, the available evidence is currently insufficient to determine the role of this variant in disease. Therefore, it has been classified as a Variant of Uncertain Significance. Algorithms developed to predict the effect of missense changes on protein structure and function (SIFT, PolyPhen-2, Align-GVGD) all suggest that this variant is likely to be disruptive, but these predictions have not been confirmed by published functional studies and their clinical significance is uncertain. This variant has not been reported in the literature in individuals with MFRP-related conditions. This variant is not present in population databases (ExAC no frequency). This sequence change replaces cysteine with arginine at codon 294 of the MFRP protein (p.Cys294Arg). The cysteine residue is highly conserved and there is a large physicochemical difference between cysteine and arginine.